The following is an entry in ClinVar:

NM_000292.3(PHKA2):c.3331C>T (p.Arg1111Ter)

Gene: PHKA2 (phosphorylase kinase regulatory subunit alpha 2; minus strand). Cytogenetic location: Xp22.13.
Variant type: single nucleotide variant.
Coding change: c.3331C>T on transcript NM_000292.3 (MANE Select); coding-DNA position 3331, C replaced by T.
Protein change: p.Arg1111Ter; replaces arginine 1111 with a stop codon.
Molecular consequence: nonsense.
Genome position (GRCh38, 1-based): chrX:18,895,143, G>A on the plus strand (C>T on the coding strand, the complement: PHKA2 is on the minus strand). VCF-style: chrX-18895143-G-A. GRCh37 (hg19) VCF-style: chrX-18913261-G-A.
Other names: short protein forms R1111*.
Identifiers: ClinVar variation 655569 (VCV000655569.7), dbSNP rs1601689006, ClinGen allele CA412376651.
Genomic context (GRCh38, chrX:18,895,143, plus strand): 5'-AAGCCCTTATTGTGAACCCACAGAGGGGCCCGCCTCTGCGTTTTTCTCATCGTACCTCTC[G>A]GGTCGTCGAGGATGGGAGGACATAACCATCGATGGAGAGACCGTGGCACTGGAGGCAGAA-3'

ClinVar aggregate classification (germline): Pathogenic. Review status: criteria provided, multiple submitters, no conflicts (2 of 4 stars). 2 submissions from 2 submitters: Pathogenic (2). Last evaluated 2024-01-03.

Conditions:
Glycogen storage disease IXa1. Also called: GLYCOGEN STORAGE DISEASE VIII; GSD VIII; Glycogen storage disease 8; LIVER GLYCOGENOSIS, X-LINKED, TYPE I. Identifiers: Orphanet 264580, MedGen C3694531, MONDO:0010598, OMIM 306000.

Submissions (2):

3billion
Classification: Pathogenic for Glycogen storage disease IXa1. Last evaluated: 2024-01-03. Review status: criteria provided, single submitter. Criteria: ACMG Guidelines, 2015. Collection method: clinical testing. Allele origin: germline. Affected: yes.
Comment: The variant is not observed in the gnomAD v2.1.1 dataset. Predicted Consequence/Location: Stop-gained (nonsense): predicted to result in a loss or disruption of normal protein function through nonsense-mediated decay (NMD) or protein truncation. Multiple pathogenic variants are reported downstream of the variant. The variant has been reported to be associated with PHKA2 related disorder (ClinVar ID: VCV000655569). However, the evidence of pathogenicity is insufficient at this time. Therefore, this variant is classified as Pathogenic according to the recommendation of ACMG/AMP guideline.

Labcorp Genetics (formerly Invitae), Labcorp
Classification: Pathogenic for Glycogen storage disease IXa1. Last evaluated: 2020-04-08. Review status: criteria provided, single submitter. Criteria: Invitae Variant Classification Sherloc (09022015). Collection method: clinical testing. Allele origin: germline.
Comment: This variant has not been reported in the literature in individuals with PHKA2-related disease. This variant is not present in population databases (ExAC no frequency). This sequence change creates a premature translational stop signal (p.Arg1111*) in the PHKA2 gene. It is expected to result in an absent or disrupted protein product. Loss-of-function variants in PHKA2 are known to be pathogenic (PMID: 7711737, 10330341). For these reasons, this variant has been classified as Pathogenic.

Literature cited by the submitters: PubMed 7711737 (cited by Labcorp Genetics (formerly Invitae), Labcorp); PubMed 10330341 (cited by Labcorp Genetics (formerly Invitae), Labcorp).